The following is an entry in ClinVar:

NM_033427.3(CTTNBP2):c.4855A>C (p.Lys1619Gln)

Gene: CTTNBP2 (cortactin binding protein 2; minus strand). Cytogenetic location: 7q31.31.
Variant type: single nucleotide variant.
Coding change: c.4855A>C on transcript NM_033427.3 (MANE Select); coding-DNA position 4855, A replaced by C.
Protein change: p.Lys1619Gln; replaces lysine 1619 with glutamine.
Molecular consequence: missense variant.
Genome position (GRCh38, 1-based): chr7:117,711,674, T>G on the plus strand (A>C on the coding strand, the complement: CTTNBP2 is on the minus strand). VCF-style: chr7-117711674-T-G. GRCh37 (hg19) VCF-style: chr7-117351728-T-G.
Other names: c.4801A>C, p.Lys1601Gln (NM_001363349.1); c.2758A>C, p.Lys920Gln (NM_001363350.1, NM_001363351.1); short protein forms K1619Q, K1601Q, K920Q.
Identifiers: ClinVar variation 709431 (VCV000709431.6), dbSNP rs113820495, ClinGen allele CA4451751.

ClinVar aggregate classification (germline): Benign. Review status: criteria provided, multiple submitters, no conflicts (2 of 4 stars). 3 submissions from 3 submitters: Benign (2). 1 of the submissions does not count toward it. Last evaluated 2018-04-10.

Conditions:
CTTNBP2-related disorder. Also called: CTTNBP2-related condition.

Allele frequency attached by ClinVar (database versions not stated): gnomAD exomes 0.00056 and 0.00147; ExAC 0.00182; ESP Exome Variant Server 0.00500; gnomAD 0.00582 and 0.00618; 1000 Genomes Project 0.00659; TOPMed 0.00680; 1000 Genomes Project 30x 0.00734.
gnomAD v4.1: 1,767 of 1,614,078 alleles (0.11%); highest among the groups gnomAD compares: African/African-American, 1.9%; 22 homozygotes.

Submissions (3):

Labcorp Genetics (formerly Invitae), Labcorp
Classification: Benign. Last evaluated: 2018-04-10. Review status: criteria provided, single submitter. Criteria: Invitae Variant Classification Sherloc (09022015). Collection method: clinical testing. Allele origin: germline.

Breakthrough Genomics
Classification: Benign. Review status: criteria provided, single submitter. Criteria: ACMG Guidelines, 2015. Collection method: not provided. Allele origin: germline. Inheritance: Unknown mechanism. Affected: yes.

PreventionGenetics, part of Exact Sciences
Classification: Benign for CTTNBP2-related condition. Last evaluated: 2019-08-13. Review status: no assertion criteria provided. Collection method: clinical testing. Allele origin: germline. Not counted in ClinVar's aggregate classification.
Comment: This variant is classified as benign based on ACMG/AMP sequence variant interpretation guidelines (Richards et al. 2015 PMID: 25741868, with internal and published modifications).